The following is an entry in ClinVar:

ClinVar aggregate classification (germline): Uncertain significance (1 of 4 stars; one submission).

Submission:

Labcorp Genetics (formerly Invitae), Labcorp
Classification: Uncertain significance. Last evaluated: 2025-05-30. Review status: criteria provided, single submitter. Criteria: Invitae Variant Classification Sherloc (09022015). Collection method: clinical testing. Allele origin: germline.
Comment: This sequence change replaces serine, which is neutral and polar, with phenylalanine, which is neutral and non-polar, at codon 242 of the XRCC2 protein (p.Ser242Phe). This variant is not present in population databases (gnomAD no frequency). This variant has not been reported in the literature in individuals affected with XRCC2-related conditions. ClinVar contains an entry for this variant (Variation ID: 963805). Invitae Evidence Modeling of protein sequence and biophysical properties (such as structural, functional, and spatial information, amino acid conservation, physicochemical variation, residue mobility, and thermodynamic stability) indicates that this missense variant is not expected to disrupt XRCC2 protein function with a negative predictive value of 80%. In summary, the available evidence is currently insufficient to determine the role of this variant in disease. Therefore, it has been classified as a Variant of Uncertain Significance.

NM_005431.2(XRCC2):c.725C>T (p.Ser242Phe)

Gene: XRCC2 (X-ray repair cross complementing 2; minus strand). Cytogenetic location: 7q36.1.
Variant type: single nucleotide variant.
Coding change: c.725C>T on transcript NM_005431.2 (MANE Select); coding-DNA position 725, C replaced by T.
Protein change: p.Ser242Phe; replaces serine 242 with phenylalanine.
Molecular consequence: missense variant.
Genome position (GRCh38, 1-based): chr7:152,648,760, G>A on the plus strand (C>T on the coding strand, the complement: XRCC2 is on the minus strand). VCF-style: chr7-152648760-G-A. GRCh37 (hg19) VCF-style: chr7-152345845-G-A.
Other names: short protein forms S242F.
Identifiers: ClinVar variation 963805 (VCV000963805.10), dbSNP rs2098027157, ClinGen allele CA370198078.
Genomic context (GRCh38, chr7:152,648,760, plus strand): 5'-CTTTTTAAACAACGTGAAACTAATGAAAATTGGTTGCTGCTTTGAGAATCATCTTGTTTG[G>A]AGAAAAACATCCTGTGCTTCACCAGTTGCTGCCATGCCTTACAGAGATAAGGTCTGTAGT-3'
Protein context (NP_005422.1, residues 232-252): QQLVKHRMFF[Ser242Phe]KQDDSQSSNQ